The following is an entry in ClinVar:

NM_020458.4(TTC7A):c.1313G>A (p.Arg438Gln)

Gene: TTC7A (tetratricopeptide repeat domain 7A; plus strand). Cytogenetic location: 2p21.
Variant type: single nucleotide variant.
Coding change: c.1313G>A on transcript NM_020458.4 (MANE Select); coding-DNA position 1313, G replaced by A.
Protein change: p.Arg438Gln; replaces arginine 438 with glutamine.
Molecular consequence: missense variant.
Genome position (GRCh38, 1-based): chr2:47,011,356, G>A. VCF-style: chr2-47011356-G-A. GRCh37 (hg19) VCF-style: chr2-47238495-G-A.
Other names: c.1313G>A, p.Arg438Gln (NM_001288951.2); c.1211G>A, p.Arg404Gln (NM_001288953.2); c.251G>A, p.Arg84Gln (NM_001288955.2); short protein forms R84Q, R404Q, R438Q.
Identifiers: ClinVar variation 834188 (VCV000834188.7), dbSNP rs745944262, ClinGen allele CA1647612.
Genomic context (GRCh38, chr2:47,011,356, plus strand): 5'-TGAGTGACAGTGTTTCCTGCTCTTTTTTTCTGCAGTCAGCCTACGCTGTGTCCCTGCTGC[G>A]GGAGTGTGTGAAGTTGCGGCCCTCGGACCCCACCGTGCCCCTGATGGCCGCGAAGGTCTG-3'
Protein context (NP_065191.2, residues 428-448): GKSAYAVSLL[Arg438Gln]ECVKLRPSDP

ClinVar aggregate classification (germline): Uncertain significance (1 of 4 stars; one submission).

Conditions:
Multiple gastrointestinal atresias. Also called: FAMILIAL INTESTINAL POLYATRESIA SYNDROME; Multiple intestinal atresia. Identifiers: Orphanet 2300, MedGen C0220744, MONDO:0009465.

Allele frequency attached by ClinVar (database versions not stated): TOPMed below 0.00001; gnomAD 0.00001 and 0.00002; ExAC 0.00002; gnomAD exomes 0.00002; 1000 Genomes Project 30x 0.00031.
gnomAD v4.1: 19 of 1,613,288 alleles (0.0012%); highest among the groups gnomAD compares: East Asian, 0.0045%; no homozygotes.

Submission:

Labcorp Genetics (formerly Invitae), Labcorp
Classification: Uncertain significance for Multiple gastrointestinal atresias. Last evaluated: 2022-10-04. Review status: criteria provided, single submitter. Criteria: Invitae Variant Classification Sherloc (09022015). Collection method: clinical testing. Allele origin: germline.
Comment: This sequence change replaces arginine, which is basic and polar, with glutamine, which is neutral and polar, at codon 438 of the TTC7A protein (p.Arg438Gln). This variant is present in population databases (rs745944262, gnomAD 0.01%). This variant has not been reported in the literature in individuals affected with TTC7A-related conditions. ClinVar contains an entry for this variant (Variation ID: 834188). Advanced modeling of protein sequence and biophysical properties (such as structural, functional, and spatial information, amino acid conservation, physicochemical variation, residue mobility, and thermodynamic stability) performed at Invitae indicates that this missense variant is not expected to disrupt TTC7A protein function. Algorithms developed to predict the effect of sequence changes on RNA splicing suggest that this variant may create or strengthen a splice site. In summary, the available evidence is currently insufficient to determine the role of this variant in disease. Therefore, it has been classified as a Variant of Uncertain Significance.